The following is an entry in ClinVar:

NM_002435.3(MPI):c.33T>G (p.Cys11Trp)

Gene: MPI (mannose phosphate isomerase; plus strand). Cytogenetic location: 15q24.1.
Variant type: single nucleotide variant.
Coding change: c.33T>G on transcript NM_002435.3 (MANE Select); coding-DNA position 33, T replaced by G.
Protein change: p.Cys11Trp; replaces cysteine 11 with tryptophan.
Molecular consequence: missense variant. On other transcripts: 5 prime UTR variant (1), intron variant (1).
Genome position (GRCh38, 1-based): chr15:74,890,543, T>G. VCF-style: chr15-74890543-T-G. GRCh37 (hg19) VCF-style: chr15-75182884-T-G.
Other names: c.33T>G, p.Cys11Trp (NM_001289155.2, NM_001289157.2); c.-28T>G (NM_001330372.2); c.-7+454T>G (NM_001289156.2); short protein forms C11W.
Identifiers: ClinVar variation 940345 (VCV000940345.10), dbSNP rs2064708840, ClinGen allele CA393168962.
Genomic context (GRCh38, chr15:74,890,543, plus strand): 5'-GGCCTGAGGAGTGGAGTGGCAGCTGACCCTGTCTGTGCCCCTAGTATTCCCACTTTCCTG[T>G]GCGGTGCAGCAGTATGCCTGGGGGAAGATGGGTTCCAACAGCGAAGTGGCGCGGCTGTTG-3'
Protein context (NP_002426.1, residues 1-21): MAAPRVFPLS[Cys11Trp]AVQQYAWGKM

ClinVar aggregate classification (germline): Uncertain significance. Review status: criteria provided, single submitter (1 of 4 stars). 2 submissions from 2 submitters: Uncertain significance (1). 1 of the submissions does not count toward it. Last evaluated 2019-09-04.

Conditions:
MPI-congenital disorder of glycosylation. Also called: PROTEIN-LOSING ENTEROPATHY-HEPATIC FIBROSIS SYNDROME; MPI DEFICIENCY; MANNOSEPHOSPHATE ISOMERASE DEFICIENCY; MPI-CDG; CONGENITAL DISORDER OF GLYCOSYLATION, TYPE Ib; CDG Ib. Identifiers: Orphanet 79319, MedGen C1865145, MONDO:0011257, OMIM 602579.

Submissions (2):

Labcorp Genetics (formerly Invitae), Labcorp
Classification: Uncertain significance for MPI-congenital disorder of glycosylation. Last evaluated: 2019-09-04. Review status: criteria provided, single submitter. Criteria: Invitae Variant Classification Sherloc (09022015). Collection method: clinical testing. Allele origin: germline.
Comment: In summary, the available evidence is currently insufficient to determine the role of this variant in disease. Therefore, it has been classified as a Variant of Uncertain Significance. Algorithms developed to predict the effect of missense changes on protein structure and function are either unavailable or do not agree on the potential impact of this missense change (SIFT: "Deleterious"; PolyPhen-2: "Probably Damaging"; Align-GVGD: "Class C0"). This variant has not been reported in the literature in individuals with MPI-related conditions. This variant is not present in population databases (ExAC no frequency). This sequence change replaces cysteine with tryptophan at codon 11 of the MPI protein (p.Cys11Trp). The cysteine residue is moderately conserved and there is a large physicochemical difference between cysteine and tryptophan.

Natera, Inc.
Classification: Uncertain significance for Congenital disorder of glycosylation type 1b. Last evaluated: 2025-01-31. Review status: no assertion criteria provided. Collection method: clinical testing. Allele origin: germline. Not counted in ClinVar's aggregate classification.